The following is an entry in ClinVar:

NR_003051.4(RMRP):n.46C>T

Gene: RMRP (RNA component of mitochondrial RNA processing endoribonuclease; minus strand). Cytogenetic location: 9p13.3.
Variant type: single nucleotide variant.
Genome position: GRCh38 VCF-style: chr9-35657974-G-A. GRCh37 (hg19) VCF-style: chr9-35657971-G-A.
Identifiers: ClinVar variation 664122 (VCV000664122.7), dbSNP rs1394104178, ClinGen allele CA464450970.
Genomic context (GRCh38, chr9:35,657,974, plus strand): 5'-CACGTGGCACTCTCTGCCCGAGGTCCGGGGACTTTCCCCTAGGCGGAAAGGGGAGGAACA[G>A]AGTCCTCAGTGTGTAGCCTAGGATACAGGCCTTCAGCACGAACCACGTCCTCAGCTTCAC-3'

ClinVar aggregate classification (germline): Uncertain significance. Review status: criteria provided, single submitter (1 of 4 stars). 2 submissions from 2 submitters: Uncertain significance (1). 1 of the submissions does not count toward it. Last evaluated 2022-08-08.

Conditions:
Metaphyseal chondrodysplasia, McKusick type (CHH). Also called: Cartilage-Hair Hypoplasia (CHH); Cartilage-hair hypoplasia. Identifiers: Orphanet 175, MedGen C0220748, MONDO:0009595, OMIM 250250.
Anauxetic dysplasia. Identifiers: Orphanet 93347, MedGen C1846796, MONDO:0011773.

Allele frequency attached by ClinVar (database versions not stated): gnomAD 0.00001; gnomAD exomes 0.00001; TOPMed 0.00003.
gnomAD v4.1: 8 of 700,352 alleles (0.0011%); highest among the groups gnomAD compares: Admixed American, 0.006%; no homozygotes.

Submissions (2):

Labcorp Genetics (formerly Invitae), Labcorp
Classification: Uncertain significance for Anauxetic dysplasia. Last evaluated: 2022-08-08. Review status: criteria provided, single submitter. Criteria: Invitae Variant Classification Sherloc (09022015). Collection method: clinical testing. Allele origin: germline.
Comment: This variant occurs in the RMRP gene, which encodes an RNA molecule that does not result in a protein product. This variant is present in population databases (no rsID available, gnomAD 0.004%). This variant has not been reported in the literature in individuals affected with RMRP-related conditions. ClinVar contains an entry for this variant (Variation ID: 664122). Experimental studies and prediction algorithms are not available or were not evaluated, and the functional significance of this variant is currently unknown. In summary, the available evidence is currently insufficient to determine the role of this variant in disease. Therefore, it has been classified as a Variant of Uncertain Significance.

Natera, Inc.
Classification: Uncertain significance for Cartilage-hair hypoplasia. Last evaluated: 2020-09-16. Review status: no assertion criteria provided. Collection method: clinical testing. Allele origin: germline. Not counted in ClinVar's aggregate classification.